The following is an entry in ClinVar:

NM_001365999.1(SZT2):c.6849G>C (p.Lys2283Asn)

Gene: SZT2 (SZT2 subunit of KICSTOR complex; plus strand). Cytogenetic location: 1p34.2.
Variant type: single nucleotide variant.
Coding change: c.6849G>C on transcript NM_001365999.1 (MANE Select); coding-DNA position 6849, G replaced by C.
Protein change: p.Lys2283Asn; replaces lysine 2283 with asparagine.
Molecular consequence: missense variant.
Genome position (GRCh38, 1-based): chr1:43,439,414, G>C. VCF-style: chr1-43439414-G-C. GRCh37 (hg19) VCF-style: chr1-43905085-G-C.
Other names: c.6678G>C, p.Lys2226Asn (NM_015284.4); short protein forms K2283N, K2226N.
Identifiers: ClinVar variation 1434686 (VCV001434686.6), dbSNP rs372403979, ClinGen allele CA340032409.

ClinVar aggregate classification (germline): Uncertain significance (1 of 4 stars; one submission).

Submission:

Labcorp Genetics (formerly Invitae), Labcorp
Classification: Uncertain significance. Last evaluated: 2021-12-03. Review status: criteria provided, single submitter. Criteria: Invitae Variant Classification Sherloc (09022015). Collection method: clinical testing. Allele origin: germline.
Comment: Algorithms developed to predict the effect of missense changes on protein structure and function are either unavailable or do not agree on the potential impact of this missense change (SIFT: "Tolerated"; PolyPhen-2: "Probably Damaging"; Align-GVGD: "Class C15"). This sequence change replaces lysine, which is basic and polar, with asparagine, which is neutral and polar, at codon 2226 of the SZT2 protein (p.Lys2226Asn). This variant is not present in population databases (gnomAD no frequency). This variant has not been reported in the literature in individuals affected with SZT2-related conditions. In summary, the available evidence is currently insufficient to determine the role of this variant in disease. Therefore, it has been classified as a Variant of Uncertain Significance.